The following is an entry in ClinVar:

ClinVar aggregate classification (germline): Likely pathogenic (1 of 4 stars; one submission).

Conditions:
Charcot-Marie-Tooth disease type 2. Also called: Charcot-Marie-Tooth type 2. Identifiers: Orphanet 64746, MedGen C0270914, MONDO:0018993.

Submission:

Labcorp Genetics (formerly Invitae), Labcorp
Classification: Likely pathogenic for Charcot-Marie-Tooth disease type 2. Last evaluated: 2022-10-13. Review status: criteria provided, single submitter. Criteria: Invitae Variant Classification Sherloc (09022015). Collection method: clinical testing. Allele origin: germline.
Comment: In summary, the currently available evidence indicates that the variant is pathogenic, but additional data are needed to prove that conclusively. Therefore, this variant has been classified as Likely Pathogenic. This variant disrupts the p.Thr10 amino acid residue in LMNA. Other variant(s) that disrupt this residue have been determined to be pathogenic (PMID: 29267953). This suggests that this residue is clinically significant, and that variants that disrupt this residue are likely to be disease-causing. Advanced modeling of protein sequence and biophysical properties (such as structural, functional, and spatial information, amino acid conservation, physicochemical variation, residue mobility, and thermodynamic stability) performed at Invitae indicates that this missense variant is expected to disrupt LMNA protein function. This variant has not been reported in the literature in individuals affected with LMNA-related conditions. This variant is not present in population databases (gnomAD no frequency). This sequence change replaces threonine, which is neutral and polar, with proline, which is neutral and non-polar, at codon 10 of the LMNA protein (p.Thr10Pro).

Literature cited by the submitters: PubMed 29267953.

NM_170707.4(LMNA):c.28A>C (p.Thr10Pro)

Genes: LMNA (lamin A/C; plus strand), LOC129931597 (ATAC-STARR-seq lymphoblastoid silent region 1421; plus strand). Cytogenetic location: 1q22.
Variant type: single nucleotide variant.
Coding change: c.28A>C on transcript NM_170707.4 (MANE Select); coding-DNA position 28, A replaced by C.
Protein change: p.Thr10Pro; replaces threonine 10 with proline.
Molecular consequence: missense variant.
Genome position (GRCh38, 1-based): chr1:156,114,946, A>C. VCF-style: chr1-156114946-A-C. GRCh37 (hg19) VCF-style: chr1-156084737-A-C.
Other names: c.-637A>C (NM_001406994.1, NM_001407000.1); c.-374A>C (NM_001406995.1, NM_001407002.1, NM_001406990.1); c.-817A>C (NM_001406999.1); c.-480A>C (NM_001407001.1); c.28A>C, p.Thr10Pro (NM_005572.4, NM_170708.4, NM_001282625.2 and 6 more transcripts); c.-396A>C (NM_001406986.1); short protein forms T10P.
Identifiers: ClinVar variation 1943785 (VCV001943785.5), dbSNP rs2527829303, ClinGen allele CA342806835.
Genomic context (GRCh38, chr1:156,114,946, plus strand): 5'-TGCCCCGCGGGCAGCGCTGCCAACCTGCCGGCCATGGAGACCCCGTCCCAGCGGCGCGCC[A>C]CCCGCAGCGGGGCGCAGGCCAGCTCCACTCCGCTGTCGCCCACCCGCATCACCCGGCTGC-3'
Protein context (NP_733821.1, residues 1-20): METPSQRRA[Thr10Pro]RSGAQASSTP